The following is an entry in ClinVar:

NM_001077418.3(TMEM231):c.636T>G (p.His212Gln)

Gene: TMEM231 (transmembrane protein 231; minus strand). Cytogenetic location: 16q23.1.
Variant type: single nucleotide variant.
Coding change: c.636T>G on transcript NM_001077418.3 (MANE Select); coding-DNA position 636, T replaced by G.
Protein change: p.His212Gln; replaces histidine 212 with glutamine.
Molecular consequence: missense variant. On other transcripts: non-coding transcript variant (1).
Genome position (GRCh38, 1-based): chr16:75,542,630, A>C on the plus strand (T>G on the coding strand, the complement: TMEM231 is on the minus strand). VCF-style: chr16-75542630-A-C. GRCh37 (hg19) VCF-style: chr16-75576528-A-C.
Other names: c.723T>G (NM_001077416.1); c.795T>G, p.His265Gln (NM_001077416.2); short protein forms H212Q, H265Q.
Identifiers: ClinVar variation 2024375 (VCV002024375.5), dbSNP rs752719030, ClinGen allele CA8176104.

ClinVar aggregate classification (germline): Uncertain significance. Review status: criteria provided, multiple submitters, no conflicts (2 of 4 stars). 2 submissions from 2 submitters: Uncertain significance (2). Last evaluated 2025-05-25.

Conditions:
Inborn genetic diseases. Identifiers: MedGen C0950123, MeSH D030342.
Meckel syndrome, type 11 (MKS11). Identifiers: Orphanet 564, MedGen C3809352, MONDO:0014164, OMIM 615397.
Joubert syndrome 20 (JBTS20). Identifiers: Orphanet 475, MedGen C3554235, MONDO:0013994, OMIM 614970.

Allele frequency attached by ClinVar (database versions not stated): ExAC 0.00001; TOPMed 0.00001; gnomAD 0.00003.
gnomAD v4.1: 59 of 1,613,724 alleles (0.0037%); highest among the groups gnomAD compares: East Asian, 0.13%; no homozygotes.

Submissions (2):

Ambry Genetics
Classification: Uncertain significance for Inborn genetic diseases. Last evaluated: 2025-05-25. Review status: criteria provided, single submitter. Criteria: Ambry Variant Classification Scheme 2023. Collection method: clinical testing. Allele origin: germline.

Labcorp Genetics (formerly Invitae), Labcorp
Classification: Uncertain significance for Joubert syndrome 20; Meckel syndrome, type 11. Last evaluated: 2023-08-10. Review status: criteria provided, single submitter. Criteria: Invitae Variant Classification Sherloc (09022015). Collection method: clinical testing. Allele origin: germline.
Comment: In summary, the available evidence is currently insufficient to determine the role of this variant in disease. Therefore, it has been classified as a Variant of Uncertain Significance. Experimental studies and prediction algorithms are not available or were not evaluated, and the functional significance of this variant is currently unknown. This sequence change replaces histidine, which is basic and polar, with glutamine, which is neutral and polar, at codon 265 of the TMEM231 protein (p.His265Gln). This variant is present in population databases (rs752719030, gnomAD 0.006%). This variant has not been reported in the literature in individuals affected with TMEM231-related conditions. ClinVar contains an entry for this variant (Variation ID: 2024375).